The following is an entry in ClinVar:

NM_001201543.2(FAM161A):c.285T>G (p.Tyr95Ter)

Gene: FAM161A (FAM161 centrosomal protein A; minus strand). Cytogenetic location: 2p15.
Variant type: single nucleotide variant.
Coding change: c.285T>G on transcript NM_001201543.2 (MANE Select); coding-DNA position 285, T replaced by G.
Protein change: p.Tyr95Ter; replaces tyrosine 95 with a stop codon.
Molecular consequence: nonsense. On other transcripts: non-coding transcript variant (1).
Genome position (GRCh38, 1-based): chr2:61,842,259, A>C on the plus strand (T>G on the coding strand, the complement: FAM161A is on the minus strand). VCF-style: chr2-61842259-A-C. GRCh37 (hg19) VCF-style: chr2-62069394-A-C.
Other names: c.285T>G, p.Tyr95Ter (NM_032180.3); short protein forms Y95*.
Identifiers: ClinVar variation 2707489 (VCV002707489.3), dbSNP rs2466033908, ClinGen allele CA346989523.

ClinVar aggregate classification (germline): Pathogenic (1 of 4 stars; one submission).

Submission:

Labcorp Genetics (formerly Invitae), Labcorp
Classification: Pathogenic. Last evaluated: 2024-01-04. Review status: criteria provided, single submitter. Criteria: Invitae Variant Classification Sherloc (09022015). Collection method: clinical testing. Allele origin: germline.
Comment: This sequence change creates a premature translational stop signal (p.Tyr95*) in the FAM161A gene. It is expected to result in an absent or disrupted protein product. Loss-of-function variants in FAM161A are known to be pathogenic (PMID: 20705278, 20705279, 24651477). This variant is not present in population databases (gnomAD no frequency). This variant has not been reported in the literature in individuals affected with FAM161A-related conditions. For these reasons, this variant has been classified as Pathogenic.

Literature cited by the submitters: PubMed 20705278; PubMed 20705279; PubMed 24651477.